The following is an entry in ClinVar:

ClinVar aggregate classification (germline): Likely pathogenic (1 of 4 stars; one submission).

Submission:

GeneDx
Classification: Likely pathogenic. Last evaluated: 2026-03-06. Review status: criteria provided, single submitter. Criteria: GeneDx Variant Classification Process June 2021. Collection method: clinical testing. Allele origin: germline.
Comment: Published functional studies suggest a damaging effect with N581K resulting in catalytic activity (PMID: 39482882); In silico analysis supports that this missense variant has a deleterious effect on protein structure/function; Not observed at significant frequency in large population cohorts (gnomAD); This variant is associated with the following publications: (PMID: 39482882)

NM_016120.4(RLIM):c.1743C>G (p.Asn581Lys)

Gene: RLIM (ring finger protein, LIM domain interacting; minus strand). Cytogenetic location: Xq13.2.
Variant type: single nucleotide variant.
Coding change: c.1743C>G on transcript NM_016120.4 (MANE Select); coding-DNA position 1743, C replaced by G.
Protein change: p.Asn581Lys; replaces asparagine 581 with lysine.
Molecular consequence: missense variant.
Genome position (GRCh38, 1-based): chrX:74,591,572, G>C on the plus strand (C>G on the coding strand, the complement: RLIM is on the minus strand). VCF-style: chrX-74591572-G-C. GRCh37 (hg19) VCF-style: chrX-73811407-G-C.
Other names: c.1743C>G, p.Asn581Lys (NM_183353.3); short protein forms N581K.
Identifiers: ClinVar variation 1803387 (VCV001803387.2), dbSNP rs2519833530, ClinGen allele CA413659385.